The following is an entry in ClinVar:

ClinVar aggregate classification (germline): Uncertain significance (1 of 4 stars; one submission).

Conditions:
Febrile seizures, familial, 8 (FEB8). Also called: CONVULSIONS, FAMILIAL FEBRILE, 8. Identifiers: Orphanet 36387, MedGen C1969810, MONDO:0011891, OMIM 607681.
EPILEPSY, CHILDHOOD ABSENCE, SUSCEPTIBILITY TO, 2 (ECA2). Identifiers: Orphanet 64280, MedGen C1843244, OMIM 607681.

gnomAD v4.1: 1 of 1,612,598 alleles (0.000062%); highest among the groups gnomAD compares: African/African-American, 0.0013%; no homozygotes.

Submission:

Labcorp Genetics (formerly Invitae), Labcorp
Classification: Uncertain significance for Febrile seizures, familial, 8; EPILEPSY, CHILDHOOD ABSENCE, SUSCEPTIBILITY TO, 2. Last evaluated: 2024-10-24. Review status: criteria provided, single submitter. Criteria: Invitae Variant Classification Sherloc (09022015). Collection method: clinical testing. Allele origin: germline.
Comment: This sequence change affects codon 36 of the GABRG2 mRNA. It is a 'silent' change, meaning that it does not change the encoded amino acid sequence of the GABRG2 protein. It affects a nucleotide within the consensus splice site. This variant is not present in population databases (gnomAD no frequency). This variant has not been reported in the literature in individuals affected with GABRG2-related conditions. Algorithms developed to predict the effect of sequence changes on RNA splicing suggest that this variant is not likely to affect RNA splicing. In summary, the available evidence is currently insufficient to determine the role of this variant in disease. Therefore, it has been classified as a Variant of Uncertain Significance.

NM_198904.4(GABRG2):c.108C>T (p.Gly36=)

Gene: GABRG2 (gamma-aminobutyric acid type A receptor subunit gamma2; plus strand). Cytogenetic location: 5q34.
Variant type: single nucleotide variant.
Coding change: c.108C>T on transcript NM_198904.4 (MANE Select); coding-DNA position 108, C replaced by T.
Protein change: p.Gly36=; no amino-acid change (glycine 36 retained).
Molecular consequence: synonymous variant. On other transcripts: 5 prime UTR variant (3), intron variant (1).
Genome position (GRCh38, 1-based): chr5:162,093,828, C>T. VCF-style: chr5-162093828-C-T. GRCh37 (hg19) VCF-style: chr5-161520834-C-T.
Other names: c.108C>T, p.Gly36= (NM_000816.3, NM_001375340.1, NM_001375341.1 and 4 more transcripts); c.42C>T, p.Gly14= (NM_001375345.1, NM_001375346.1); c.21C>T, p.Ala7= (NM_001375347.1); c.-251C>T (NM_001375348.1, NM_001375350.1); c.-178C>T (NM_001375349.1); c.108-9C>T (NM_001375339.1).
Identifiers: ClinVar variation 3759565 (VCV003759565.2).